The following is an entry in ClinVar:

ClinVar aggregate classification (germline): Likely benign (1 of 4 stars; one submission).

Submission:

CeGaT Center for Human Genetics Tuebingen
Classification: Likely benign. Last evaluated: 2024-01-01. Review status: criteria provided, single submitter. Criteria: CeGaT Center For Human Genetics Tuebingen Variant Classification Criteria Version 2. Collection method: clinical testing. Allele origin: germline. Affected: yes. Observed: 1 variant allele.
Comment: OPN1MW: PP2, BP4, BS2

NM_000513.2(OPN1MW):c.532A>G (p.Ile178Val)

Gene: OPN1MW (opsin 1, medium wave sensitive; plus strand). Cytogenetic location: Xq28.
Variant type: single nucleotide variant.
Coding change: c.532A>G on transcript NM_000513.2 (MANE Select); coding-DNA position 532, A replaced by G.
Protein change: p.Ile178Val; replaces isoleucine 178 with valine.
Molecular consequence: missense variant.
Genome position (GRCh38, 1-based): chrX:154,190,176, A>G. VCF-style: chrX-154190176-A-G. GRCh37 (hg19) VCF-style: chrX-153455665-A-G.
Other names: short protein forms I178V.
Identifiers: ClinVar variation 3025002 (VCV003025002.22), dbSNP rs375538821, ClinGen allele CA10558978.